The following continues an entry in ClinVar:

NM_007294.4(BRCA1):c.1571C>T (p.Ala524Val)

Gene: BRCA1. ClinVar aggregate classification (germline): Conflicting classifications of pathogenicity. Uncertain significance (8); Likely benign (2).

Submissions 8 to 13 of 13:

University of Washington Department of Laboratory Medicine, University of Washington
Classification: Likely benign for Hereditary cancer-predisposing syndrome. Last evaluated: 2023-03-23. Review status: criteria provided, single submitter. Criteria: Dines et al. (Genet Med. 2020). Collection method: curation. Allele origin: germline.
Comment: Missense variant in a coldspot region where missense variants are very unlikely to be pathogenic (PMID:31911673).

BRCA1 coldspot (exon 11 using historical exon numbering). Reclassification based on statistical prior probability

GeneDx
Classification: Uncertain significance. Last evaluated: 2022-12-15. Review status: criteria provided, single submitter. Criteria: GeneDx Variant Classification Process June 2021. Collection method: clinical testing. Allele origin: germline. Affected: yes.
Comment: Identified in individuals with a personal or family history of breast, ovarian, or other cancers (Konstantopoulou et al., 2008; Anczukow et al., 2008; Ballinger et al., 2016; Bahsi et al., 2019); Not observed at significant frequency in large population cohorts (gnomAD); In silico analysis supports that this missense variant does not alter protein structure/function; Also known as 1690C>T; This variant is associated with the following publications: (PMID: 16267036, 17453335, 23893897, 18273839, 27498913, 23249957, Bahsi2019[article], 31131967, 29884841, 15343273, 31853058, 32377563)

Eurofins Ntd Llc (ga)
Classification: Uncertain significance. Last evaluated: 2014-09-05. Review status: criteria provided, single submitter. Criteria: EGL Classification Definitions 2015. Collection method: clinical testing. Allele origin: germline.

BRCAlab, Lund University
Classification: Uncertain significance for Breast-ovarian cancer, familial, susceptibility to, 1. Last evaluated: 2020-03-02. Review status: no assertion criteria provided. Collection method: clinical testing. Allele origin: germline. Affected: yes. Not counted in ClinVar's aggregate classification.

Counsyl
Classification: Uncertain significance for Breast-ovarian cancer, familial, susceptibility to, 1. Last evaluated: 2016-10-27. Review status: no assertion criteria provided. Collection method: clinical testing. Allele origin: unknown. Not counted in ClinVar's aggregate classification.

Breast Cancer Information Core (BIC) (BRCA1)
Classification: Uncertain significance for Breast-ovarian cancer, familial 1. Last evaluated: 2006-05-05. Review status: no assertion criteria provided. Collection method: clinical testing. Allele origin: germline. Affected: yes. Observed: 3 variant alleles. Not counted in ClinVar's aggregate classification.

Literature cited by the submitters: PubMed 17453335 (cited by 8 submitters); PubMed 18273839 (cited by 7 submitters); PubMed 27498913 (cited by 4 submitters); PubMed 16267036 (cited by 4 submitters); PubMed 23249957 (cited by Women's Health and Genetics/Laboratory Corporation of America, LabCorp and Quest Diagnostics Nichols Institute San Juan Capistrano); PubMed 31911673 (cited by Quest Diagnostics Nichols Institute San Juan Capistrano); PubMed 33471991 (cited by 3 submitters); PubMed 31131967 (cited by 3 submitters).